The following is an entry in ClinVar:

NM_001032283.3(TMPO):c.565+2488G>A

Gene: TMPO (thymopoietin; plus strand). Cytogenetic location: 12q23.1.
Variant type: single nucleotide variant.
Coding change: c.565+2488G>A on transcript NM_001032283.3 (MANE Select); 2488 bases into the intron after coding-DNA position 565, G replaced by A.
Molecular consequence: intron variant. On other transcripts: missense variant (1).
Genome position (GRCh38, 1-based): chr12:98,534,326, G>A. VCF-style: chr12-98534326-G-A. GRCh37 (hg19) VCF-style: chr12-98928104-G-A.
Other names: c.2069G>A, p.Arg690His (NM_003276.2); c.565+2488G>A (NM_001307975.2, NM_001032284.3); short protein forms R690H.
Identifiers: ClinVar variation 1393903 (VCV001393903.8), dbSNP rs779219922, ClinGen allele CA6732532.

ClinVar aggregate classification (germline): Uncertain significance. Review status: criteria provided, multiple submitters, no conflicts (2 of 4 stars). 2 submissions from 2 submitters: Uncertain significance (2). Last evaluated 2024-07-03.

Conditions:
Loeys-Dietz syndrome 2 (LDS2). Also called: TGFBR2-Related Loeys-Dietz Syndrome; Marfan Syndrome type 2; Marfan like connective tissue disorder; MFS 2; AORTIC ANEURYSM, FAMILIAL THORACIC 3; MARFAN SYNDROME, TYPE II. Identifiers: Orphanet 284973, Orphanet 558, MedGen C2674574, MONDO:0012427, OMIM 610168.

Allele frequency attached by ClinVar (database versions not stated): gnomAD 0.00001; ExAC 0.00002; gnomAD exomes 0.00003; TOPMed 0.00005.
gnomAD v4.1: 28 of 1,612,428 alleles (0.0017%); highest among the groups gnomAD compares: East Asian, 0.013%; no homozygotes.

Submissions (2):

Labcorp Genetics (formerly Invitae), Labcorp
Classification: Uncertain significance for Loeys-Dietz syndrome 2. Last evaluated: 2024-07-03. Review status: criteria provided, single submitter. Criteria: Invitae Variant Classification Sherloc (09022015). Collection method: clinical testing. Allele origin: germline.
Comment: This sequence change replaces arginine, which is basic and polar, with histidine, which is basic and polar, at codon 690 of the TMPO protein (p.Arg690His). This variant is present in population databases (rs779219922, gnomAD 0.02%). This variant has not been reported in the literature in individuals affected with TMPO-related conditions. ClinVar contains an entry for this variant (Variation ID: 1393903). Advanced modeling of protein sequence and biophysical properties (such as structural, functional, and spatial information, amino acid conservation, physicochemical variation, residue mobility, and thermodynamic stability) performed at Invitae indicates that this missense variant is not expected to disrupt TMPO protein function with a negative predictive value of 80%. In summary, the available evidence is currently insufficient to determine the role of this variant in disease. Therefore, it has been classified as a Variant of Uncertain Significance.

Ambry Genetics
Classification: Uncertain significance. Last evaluated: 2023-05-18. Review status: criteria provided, single submitter. Criteria: Ambry Variant Classification Scheme 2023. Collection method: clinical testing. Allele origin: germline.